The following is an entry in ClinVar:

NM_014915.3(ANKRD26):c.428A>T (p.Asp143Val)

Gene: ANKRD26 (ankyrin repeat domain containing 26; minus strand). Cytogenetic location: 10p12.1.
Variant type: single nucleotide variant.
Coding change: c.428A>T on transcript NM_014915.3 (MANE Select); coding-DNA position 428, A replaced by T.
Protein change: p.Asp143Val; replaces aspartic acid 143 with valine.
Molecular consequence: missense variant.
Genome position (GRCh38, 1-based): chr10:27,093,452, T>A on the plus strand (A>T on the coding strand, the complement: ANKRD26 is on the minus strand). VCF-style: chr10-27093452-T-A. GRCh37 (hg19) VCF-style: chr10-27382381-T-A.
Other names: c.428A>T, p.Asp143Val (NM_001256053.2); short protein forms D143V.
Identifiers: ClinVar variation 2507301 (VCV002507301.2), dbSNP rs369040103, ClinGen allele CA204450837.

ClinVar aggregate classification (germline): Uncertain significance (1 of 4 stars; one submission).

Allele frequency attached by ClinVar (database versions not stated): gnomAD 0.00001; TOPMed 0.00002.
gnomAD v4.1: 3 of 1,614,076 alleles (0.00019%); highest among the groups gnomAD compares: Admixed American, 0.0017%; no homozygotes.

Submission:

GeneDx
Classification: Uncertain significance. Last evaluated: 2025-11-05. Review status: criteria provided, single submitter. Criteria: GeneDx Variant Classification Process June 2021. Collection method: clinical testing. Allele origin: germline. Affected: yes.
Comment: Not observed at significant frequency in large population cohorts (gnomAD); In silico analysis supports that this missense variant has a deleterious effect on protein structure/function; Has not been previously published as pathogenic or benign to our knowledge